The following is an entry in ClinVar:

ClinVar aggregate classification (germline): Uncertain significance (1 of 4 stars; one submission).

Submission:

GeneDx
Classification: Uncertain significance. Last evaluated: 2022-12-20. Review status: criteria provided, single submitter. Criteria: GeneDx Variant Classification Process June 2021. Collection method: clinical testing. Allele origin: germline. Affected: yes.
Comment: Not observed at significant frequency in large population cohorts (gnomAD); In silico analysis supports that this missense variant has a deleterious effect on protein structure/function; Has not been previously published as pathogenic or benign to our knowledge

NM_002474.3(MYH11):c.2482A>C (p.Lys828Gln)

Gene: MYH11 (myosin heavy chain 11; minus strand). Cytogenetic location: 16p13.11.
Variant type: single nucleotide variant.
Coding change: c.2482A>C on transcript NM_002474.3 (MANE Select); coding-DNA position 2482, A replaced by C.
Protein change: p.Lys828Gln; replaces lysine 828 with glutamine.
Molecular consequence: missense variant.
Genome position (GRCh38, 1-based): chr16:15,745,167, T>G on the plus strand (A>C on the coding strand, the complement: MYH11 is on the minus strand). VCF-style: chr16-15745167-T-G. GRCh37 (hg19) VCF-style: chr16-15839024-T-G.
Other names: c.2503A>C, p.Lys835Gln (NM_001040113.2, NM_001040114.2); c.2482A>C, p.Lys828Gln (NM_022844.3); short protein forms K828Q, K835Q.
Identifiers: ClinVar variation 2507173 (VCV002507173.1), dbSNP rs2506241870, ClinGen allele CA394866795.
Genomic context (GRCh38, chr16:15,745,167, plus strand): 5'-GGGGCTGGGGCAGAGCACTCACTTTGGTGAAAAGCCTCCACCACTGCCAGTTCCGCAGCT[T>G]GAGGTAGGCGGCGCAGTTCCTCTGAATCACCTTCATGGCGGTCAGCTGCTGCTGCCTCTT-3'
Protein context (NP_002465.1, residues 818-838): VIQRNCAAYL[Lys828Gln]LRNWQWWRLF